The following is an entry in ClinVar:

NM_014991.6(WDFY3):c.160A>G (p.Met54Val)

Gene: WDFY3 (WD repeat and FYVE domain containing 3; minus strand). Cytogenetic location: 4q21.23.
Variant type: single nucleotide variant.
Coding change: c.160A>G on transcript NM_014991.6 (MANE Select); coding-DNA position 160, A replaced by G.
Protein change: p.Met54Val; replaces methionine 54 with valine.
Molecular consequence: missense variant.
Genome position (GRCh38, 1-based): chr4:84,860,432, T>C on the plus strand (A>G on the coding strand, the complement: WDFY3 is on the minus strand). VCF-style: chr4-84860432-T-C. GRCh37 (hg19) VCF-style: chr4-85781585-T-C.
Other names: short protein forms M54V.
Identifiers: ClinVar variation 5008221 (VCV005008221.1).

ClinVar aggregate classification (germline): Uncertain significance (1 of 4 stars; one submission).

Submission:

GeneDx
Classification: Uncertain significance. Last evaluated: 2026-03-05. Review status: criteria provided, single submitter. Criteria: GeneDx Variant Classification Process June 2021. Collection method: clinical testing. Allele origin: germline.
Comment: Not observed at significant frequency in large population cohorts (gnomAD); In silico analysis supports that this missense variant has a deleterious effect on protein structure/function; Has not been previously published as pathogenic or benign to our knowledge